The following is an entry in ClinVar:

ClinVar aggregate classification (germline): Uncertain significance (1 of 4 stars; one submission).

Conditions:
POLD1-related polyposis and colorectal cancer syndrome (CRCS10). Also called: Colorectal cancer 10; COLORECTAL CANCER, SUSCEPTIBILITY TO, ON CHROMOSOME 19q; Colorectal cancer, susceptibility to, 10. Identifiers: Orphanet 220460, MedGen C2675481, MONDO:0012953, OMIM 612591.

Submission:

Labcorp Genetics (formerly Invitae), Labcorp
Classification: Uncertain significance for POLD1-related polyposis and colorectal cancer syndrome. Last evaluated: 2022-08-22. Review status: criteria provided, single submitter. Criteria: Invitae Variant Classification Sherloc (09022015). Collection method: clinical testing. Allele origin: germline.
Comment: This variant is not present in population databases (gnomAD no frequency). In summary, the available evidence is currently insufficient to determine the role of this variant in disease. Therefore, it has been classified as a Variant of Uncertain Significance. Algorithms developed to predict the effect of missense changes on protein structure and function (SIFT, PolyPhen-2, Align-GVGD) all suggest that this variant is likely to be tolerated. ClinVar contains an entry for this variant (Variation ID: 838466). This variant has not been reported in the literature in individuals affected with POLD1-related conditions. This sequence change replaces arginine, which is basic and polar, with glycine, which is neutral and non-polar, at codon 1097 of the POLD1 protein (p.Arg1097Gly).

NM_002691.4(POLD1):c.3289C>G (p.Arg1097Gly)

Gene: POLD1 (DNA polymerase delta 1, catalytic subunit; plus strand). Cytogenetic location: 19q13.33.
Variant type: single nucleotide variant.
Coding change: c.3289C>G on transcript NM_002691.4 (MANE Select); coding-DNA position 3289, C replaced by G.
Protein change: p.Arg1097Gly; replaces arginine 1097 with glycine.
Molecular consequence: missense variant. On other transcripts: non-coding transcript variant (1).
Genome position (GRCh38, 1-based): chr19:50,417,912, C>G. VCF-style: chr19-50417912-C-G. GRCh37 (hg19) VCF-style: chr19-50921169-C-G.
Other names: c.3289C>G, p.Arg1097Gly (NM_001256849.1); c.3367C>G, p.Arg1123Gly (NM_001308632.1); short protein forms R1097G, R1123G.
Identifiers: ClinVar variation 838466 (VCV000838466.11), dbSNP rs755297873, ClinGen allele CA406987849.